The following is an entry in ClinVar:

NM_012120.3(CD2AP):c.976G>A (p.Val326Ile)

Gene: CD2AP (CD2 associated protein; plus strand). Cytogenetic location: 6p12.3.
Variant type: single nucleotide variant.
Coding change: c.976G>A on transcript NM_012120.3 (MANE Select); coding-DNA position 976, G replaced by A.
Protein change: p.Val326Ile; replaces valine 326 with isoleucine.
Molecular consequence: missense variant.
Genome position (GRCh38, 1-based): chr6:47,579,457, G>A. VCF-style: chr6-47579457-G-A. GRCh37 (hg19) VCF-style: chr6-47547193-G-A.
Other names: short protein forms V326I.
Identifiers: ClinVar variation 1025190 (VCV001025190.9), dbSNP rs1768411066, ClinGen allele CA363943870.
Genomic context (GRCh38, chr6:47,579,457, plus strand): 5'-GCTGGCTGGTGGAGGGGCGAACTTAATGGTAAAGAAGGAGTATTTCCAGACAATTTTGCT[G>A]TCCAGATAAATGAACTTGATAAAGACTTTCCAGTAAGCTTTTGTTTTTCAATGATGATAA-3'
Protein context (NP_036252.1, residues 316-336): KEGVFPDNFA[Val326Ile]QINELDKDFP

ClinVar aggregate classification (germline): Uncertain significance (1 of 4 stars; one submission).

gnomAD v4.1: 2 of 1,610,828 alleles (0.00012%); highest among the groups gnomAD compares: Non-Finnish European, 0.00017%; no homozygotes.

Submission:

Labcorp Genetics (formerly Invitae), Labcorp
Classification: Uncertain significance. Last evaluated: 2020-01-29. Review status: criteria provided, single submitter. Criteria: Invitae Variant Classification Sherloc (09022015). Collection method: clinical testing. Allele origin: germline.
Comment: In summary, the available evidence is currently insufficient to determine the role of this variant in disease. Therefore, it has been classified as a Variant of Uncertain Significance. Algorithms developed to predict the effect of missense changes on protein structure and function output the following: SIFT: "Tolerated"; PolyPhen-2: "Benign"; Align-GVGD: "Class C0". The isoleucine amino acid residue is found in multiple mammalian species, suggesting that this missense change does not adversely affect protein function. These predictions have not been confirmed by published functional studies and their clinical significance is uncertain. This variant has been observed in individual(s) with biospy proven focal segmental glomerulosclerosis (Invitae). This variant is not present in population databases (ExAC no frequency). This sequence change replaces valine with isoleucine at codon 326 of the CD2AP protein (p.Val326Ile). The valine residue is weakly conserved and there is a small physicochemical difference between valine and isoleucine.